The following is an entry in ClinVar:

NM_000444.6(PHEX):c.2009A>T (p.Glu670Val)

Genes: PHEX (phosphate regulating endopeptidase X-linked; plus strand), PTCHD1-AS (PTCHD1 and PHEX antisense RNA; minus strand). Cytogenetic location: Xp22.11.
Variant type: single nucleotide variant.
Coding change: c.2009A>T on transcript NM_000444.6 (MANE Select); coding-DNA position 2009, A replaced by T.
Protein change: p.Glu670Val; replaces glutamic acid 670 with valine.
Molecular consequence: missense variant. On other transcripts: non-coding transcript variant (1).
Genome position (GRCh38, 1-based): chrX:22,227,550, A>T. VCF-style: chrX-22227550-A-T. GRCh37 (hg19) VCF-style: chrX-22245667-A-T.
Other names: c.2009A>T, p.Glu670Val (NM_001282754.2); short protein forms E670V.
Identifiers: ClinVar variation 1275756 (VCV001275756.4), dbSNP rs2147184651, ClinGen allele CA412574384.
Genomic context (GRCh38, chrX:22,227,550, plus strand): 5'-TCTTCTTCTCTCACCAGGCTTACAGGAAATGGATAAATGACAGAAGGCAGGGACTTGAGG[A>T]GCCTCTTCTACCAGGCATCACATTCACCAACAACCAGCTCTTCTTCCTGAGTTATGCTCA-3'
Protein context (NP_000435.3, residues 660-680): WINDRRQGLE[Glu670Val]PLLPGITFTN

ClinVar aggregate classification (germline): Uncertain significance. Review status: criteria provided, multiple submitters, no conflicts (2 of 4 stars). 3 submissions from 3 submitters: Uncertain significance (2). 1 of the submissions does not count toward it. Last evaluated 2025-03-04.

Conditions:
Familial X-linked hypophosphatemic vitamin D refractory rickets (XLHRD). Also called: HYPOPHOSPHATEMIC VITAMIN D-RESISTANT RICKETS; Hypophosphatemic Rickets, X-Linked Dominant; Hypophosphatemia, vitamin D-resistant rickets; Vitamin D-resistant rickets, X-linked; X-Linked Hypophosphatemia. Identifiers: Orphanet 89936, MedGen C0733682, MONDO:0010619, OMIM 307800.

Submissions (3):

Institute of Human Genetics, University of Leipzig Medical Center
Classification: Uncertain significance for Familial X-linked hypophosphatemic vitamin D refractory rickets. Last evaluated: 2025-03-04. Review status: criteria provided, single submitter. Criteria: ACMG Guidelines, 2015. Collection method: clinical testing. Allele origin: unknown. Inheritance: X-linked dominant inheritance. Affected: yes.
Comment: Criteria applied: PM2,PP3

Blueprint Genetics
Classification: Uncertain significance. Last evaluated: 2021-06-15. Review status: criteria provided, single submitter. Criteria: ACMG Guidelines, 2015. Collection method: clinical testing. Allele origin: germline.

Institute of Human Genetics, Cologne University
Classification: Uncertain significance for Familial X-linked hypophosphatemic vitamin D refractory rickets. Review status: no assertion criteria provided. Collection method: clinical testing. Allele origin: unknown. Inheritance: X-linked dominant inheritance. Affected: yes. Observed: 1 hemizygote. Not counted in ClinVar's aggregate classification.